The following is an entry in ClinVar:

ClinVar aggregate classification (germline): Uncertain significance. Review status: criteria provided, multiple submitters, no conflicts (2 of 4 stars). 2 submissions from 2 submitters: Uncertain significance (2). Last evaluated 2025-03-16.

Submissions (2):

Labcorp Genetics (formerly Invitae), Labcorp
Classification: Uncertain significance. Last evaluated: 2025-03-16. Review status: criteria provided, single submitter. Criteria: Invitae Variant Classification Sherloc (09022015). Collection method: clinical testing. Allele origin: germline.
Comment: This sequence change replaces glycine, which is neutral and non-polar, with cysteine, which is neutral and slightly polar, at codon 667 of the COL11A2 protein (p.Gly667Cys). This variant is not present in population databases (gnomAD no frequency). This missense change has been observed in individual(s) with idiopathic scoliosis (PMID: 26566670). This variant is also known as GLY560CYS. Invitae Evidence Modeling of protein sequence and biophysical properties (such as structural, functional, and spatial information, amino acid conservation, physicochemical variation, residue mobility, and thermodynamic stability) indicates that this missense variant is expected to disrupt COL11A2 protein function with a positive predictive value of 95%. In summary, the available evidence is currently insufficient to determine the role of this variant in disease. Therefore, it has been classified as a Variant of Uncertain Significance.

Blueprint Genetics
Classification: Uncertain significance. Last evaluated: 2023-11-07. Review status: criteria provided, single submitter. Criteria: ACMG Guidelines, 2015. Collection method: clinical testing. Allele origin: germline.

Literature cited by the submitters: PubMed 26566670 (cited by Labcorp Genetics (formerly Invitae), Labcorp).

NM_080680.3(COL11A2):c.1999G>T (p.Gly667Cys)

Gene: COL11A2 (collagen type XI alpha 2 chain; minus strand). Cytogenetic location: 6p21.32.
Variant type: single nucleotide variant.
Coding change: c.1999G>T on transcript NM_080680.3 (MANE Select); coding-DNA position 1999, G replaced by T.
Protein change: p.Gly667Cys; replaces glycine 667 with cysteine.
Molecular consequence: missense variant. On other transcripts: 5 prime UTR variant (1).
Genome position (GRCh38, 1-based): chr6:33,177,198, C>A on the plus strand (G>T on the coding strand, the complement: COL11A2 is on the minus strand). VCF-style: chr6-33177198-C-A. GRCh37 (hg19) VCF-style: chr6-33144975-C-A.
Other names: c.1819G>T, p.Gly607Cys (NM_001424108.1); c.1153G>T, p.Gly385Cys (NM_001424109.1); c.973G>T, p.Gly325Cys (NM_001424110.1, NM_001424111.1); c.-48G>T (NM_001424112.1); c.1678G>T, p.Gly560Cys (NM_080679.3); c.1741G>T, p.Gly581Cys (NM_080681.3); short protein forms G325C, G385C, G560C, G581C, G607C, G667C.
Identifiers: ClinVar variation 4805775 (VCV004805775.2).